The following is an entry in ClinVar:

ClinVar aggregate classification (germline): Likely benign. Review status: criteria provided, multiple submitters, no conflicts (2 of 4 stars). 3 submissions from 3 submitters: Likely benign (3). Last evaluated 2025-12-16.

Allele frequency attached by ClinVar (database versions not stated): gnomAD 0.00001; TOPMed 0.00002; ExAC 0.00003; gnomAD exomes 0.00004.
gnomAD v4.1: 55 of 1,614,112 alleles (0.0034%); highest among the groups gnomAD compares: South Asian, 0.011%; no homozygotes.

Submissions (3):

Labcorp Genetics (formerly Invitae), Labcorp
Classification: Likely benign. Last evaluated: 2025-12-16. Review status: criteria provided, single submitter. Criteria: Invitae Variant Classification Sherloc (09022015). Collection method: clinical testing. Allele origin: germline.

Mayo Clinic Laboratories, Mayo Clinic
Classification: Likely benign. Last evaluated: 2025-09-03. Review status: criteria provided, single submitter. Criteria: ACMG Guidelines, 2015. Collection method: clinical testing. Allele origin: germline. Observed: 1 variant allele.
Comment: BP4, BP7

Blueprint Genetics
Classification: Likely benign. Last evaluated: 2022-01-14. Review status: criteria provided, single submitter. Criteria: ACMG Guidelines, 2015. Collection method: clinical testing. Allele origin: germline.

NM_001354930.2(RIPK1):c.1272A>G (p.Arg424=)

Gene: RIPK1 (receptor interacting serine/threonine kinase 1; plus strand). Cytogenetic location: 6p25.2.
Variant type: single nucleotide variant.
Coding change: c.1272A>G on transcript NM_001354930.2 (MANE Select); coding-DNA position 1272, A replaced by G.
Protein change: p.Arg424=; no amino-acid change (arginine 424 retained).
Molecular consequence: synonymous variant.
Genome position (GRCh38, 1-based): chr6:3,105,747, A>G. VCF-style: chr6-3105747-A-G. GRCh37 (hg19) VCF-style: chr6-3105981-A-G.
Other names: p.Arg424=; c.783A>G, p.Arg261= (NM_001317061.3, NM_001354932.2, NM_001354933.2 and 1 more transcripts); c.1134A>G, p.Arg378= (NM_001354931.2); c.1272A>G, p.Arg424= (NM_003804.6).
Identifiers: ClinVar variation 2909356 (VCV002909356.5), dbSNP rs779246118, ClinGen allele CA3618403.